The following is an entry in ClinVar:

NM_006206.6(PDGFRA):c.1508C>T (p.Ala503Val)

Gene: PDGFRA (platelet derived growth factor receptor alpha; plus strand). Cytogenetic location: 4q12.
Variant type: single nucleotide variant.
Coding change: c.1508C>T on transcript NM_006206.6 (MANE Select); coding-DNA position 1508, C replaced by T.
Protein change: p.Ala503Val; replaces alanine 503 with valine.
Molecular consequence: missense variant.
Genome position (GRCh38, 1-based): chr4:54,273,680, C>T. VCF-style: chr4-54273680-C-T. GRCh37 (hg19) VCF-style: chr4-55139847-C-T.
Other names: c.1508C>T, p.Ala503Val (NM_001347827.2, NM_001347829.2); c.1583C>T, p.Ala528Val (NM_001347828.2); c.1547C>T, p.Ala516Val (NM_001347830.2); short protein forms A528V, A503V, A516V.
Identifiers: ClinVar variation 2587711 (VCV002587711.2), dbSNP rs1723541535, ClinGen allele CA356892710.

ClinVar aggregate classification (germline): Uncertain significance (1 of 4 stars; one submission).

Conditions:
Hereditary cancer-predisposing syndrome. Also called: Tumor predisposition; Hereditary Cancer Syndrome; Hereditary neoplastic syndrome; Neoplastic Syndromes, Hereditary. Identifiers: Orphanet 140162, MedGen C0027672, MeSH D009386, MONDO:0015356.

Allele frequency attached by ClinVar (database versions not stated): gnomAD exomes below 0.00001.

Submission:

Ambry Genetics
Classification: Uncertain significance for Hereditary cancer-predisposing syndrome. Last evaluated: 2023-06-17. Review status: criteria provided, single submitter. Criteria: Ambry Variant Classification Scheme 2023. Collection method: clinical testing. Allele origin: germline.
Comment: The p.A503V variant (also known as c.1508C>T), located in coding exon 9 of the PDGFRA gene, results from a C to T substitution at nucleotide position 1508. The alanine at codon 503 is replaced by valine, an amino acid with similar properties. This amino acid position is conserved. In addition, the in silico prediction for this alteration is inconclusive. Since supporting evidence is limited at this time, the clinical significance of this alteration remains unclear.